The following is an entry in ClinVar:

NM_182914.3(SYNE2):c.19850A>G (p.Lys6617Arg)

Gene: SYNE2 (spectrin repeat containing nuclear envelope protein 2; plus strand). Cytogenetic location: 14q23.2.
Variant type: single nucleotide variant.
Coding change: c.19850A>G on transcript NM_182914.3 (MANE Select); coding-DNA position 19850, A replaced by G.
Protein change: p.Lys6617Arg; replaces lysine 6617 with arginine.
Molecular consequence: missense variant.
Genome position (GRCh38, 1-based): chr14:64,219,400, A>G. VCF-style: chr14-64219400-A-G. GRCh37 (hg19) VCF-style: chr14-64686118-A-G.
Other names: c.19781A>G, p.Lys6594Arg (NM_015180.6); c.374A>G, p.Lys125Arg (NM_182910.2); c.752A>G, p.Lys251Arg (NM_182913.4); short protein forms K125R, K6594R, K6617R, K251R.
Identifiers: ClinVar variation 2837423 (VCV002837423.3), dbSNP rs746721705, ClinGen allele CA7224591.

ClinVar aggregate classification (germline): Uncertain significance (1 of 4 stars; one submission).

Conditions:
Emery-Dreifuss muscular dystrophy 5, autosomal dominant (EDMD5). Also called: EMERY-DREIFUSS MUSCULAR DYSTROPHY 5. Identifiers: Orphanet 261, MedGen C2751805, MONDO:0013072, OMIM 612999.

Allele frequency attached by ClinVar (database versions not stated): TOPMed below 0.00001; ExAC 0.00001; gnomAD exomes 0.00001.
gnomAD v4.1: 3 of 1,614,110 alleles (0.00019%); highest among the groups gnomAD compares: South Asian, 0.0011%; no homozygotes.

Submission:

Labcorp Genetics (formerly Invitae), Labcorp
Classification: Uncertain significance for Emery-Dreifuss muscular dystrophy 5, autosomal dominant. Last evaluated: 2023-11-17. Review status: criteria provided, single submitter. Criteria: Invitae Variant Classification Sherloc (09022015). Collection method: clinical testing. Allele origin: germline.
Comment: This sequence change replaces lysine, which is basic and polar, with arginine, which is basic and polar, at codon 6617 of the SYNE2 protein (p.Lys6617Arg). This variant is present in population databases (rs746721705, gnomAD 0.003%). This variant has not been reported in the literature in individuals affected with SYNE2-related conditions. Algorithms developed to predict the effect of missense changes on protein structure and function output the following: SIFT: "Not Available"; PolyPhen-2: "Benign"; Align-GVGD: "Not Available". The arginine amino acid residue is found in multiple mammalian species, which suggests that this missense change does not adversely affect protein function. In summary, the available evidence is currently insufficient to determine the role of this variant in disease. Therefore, it has been classified as a Variant of Uncertain Significance.